The following is an entry in ClinVar:

ClinVar aggregate classification (germline): Uncertain significance (1 of 4 stars; one submission).

gnomAD v4.1: 8 of 1,611,816 alleles (0.0005%); highest among the groups gnomAD compares: African/African-American, 0.004%; no homozygotes.

Submission:

GeneDx
Classification: Uncertain significance. Last evaluated: 2024-04-19. Review status: criteria provided, single submitter. Criteria: GeneDx Variant Classification Process June 2021. Collection method: clinical testing. Allele origin: germline. Affected: yes.
Comment: In silico analysis indicates that this missense variant does not alter protein structure/function; Has not been previously published as pathogenic or benign to our knowledge

NM_004667.6(HERC2):c.3826G>A (p.Ala1276Thr)

Gene: HERC2 (HECT and RLD domain containing E3 ubiquitin protein ligase 2; minus strand). Cytogenetic location: 15q13.1.
Variant type: single nucleotide variant.
Coding change: c.3826G>A on transcript NM_004667.6 (MANE Select); coding-DNA position 3826, G replaced by A.
Protein change: p.Ala1276Thr; replaces alanine 1276 with threonine.
Molecular consequence: missense variant.
Genome position (GRCh38, 1-based): chr15:28,238,140, C>T on the plus strand (G>A on the coding strand, the complement: HERC2 is on the minus strand). VCF-style: chr15-28238140-C-T. GRCh37 (hg19) VCF-style: chr15-28483286-C-T.
Other names: short protein forms A1276T.
Identifiers: ClinVar variation 3372252 (VCV003372252.1).
Genomic context (GRCh38, chr15:28,238,140, plus strand): 5'-CATCCTCTGCATCACTCAAGGCATACAGCCTCACCTCCAAATACTGGCCAACACAAAACG[C>T]GTGCATGGATTCCCGGGTGTCTTCAAACTGCAAAGCAGCTTCCAAAGCTACCACTGGGTC-3'
Protein context (NP_004658.3, residues 1266-1286): QFEDTRESMH[Ala1276Thr]FCVGQYLEPD